The following is an entry in ClinVar:

ClinVar aggregate classification (germline): Uncertain significance. Review status: criteria provided, multiple submitters, no conflicts (2 of 4 stars). 4 submissions from 4 submitters: Uncertain significance (4). Last evaluated 2024-09-18.

Conditions:
Retinitis pigmentosa (RP). Identifiers: Orphanet 791, MedGen C0035334, MeSH D012174, MONDO:0019200, OMIM 268000. Inheritance: Autosomal dominant, autosomal recessive and X linked inheritance.

Allele frequency attached by ClinVar (database versions not stated): gnomAD 0.00007; TOPMed 0.00007; 1000 Genomes Project 30x 0.00016; 1000 Genomes Project 0.00020.
gnomAD v4.1: 182 of 1,613,498 alleles (0.011%); highest among the groups gnomAD compares: Admixed American, 0.025%; no homozygotes.

Submissions (4):

Blueprint Genetics
Classification: Uncertain significance. Last evaluated: 2024-09-18. Review status: criteria provided, single submitter. Criteria: ACMG Guidelines, 2015. Collection method: clinical testing. Allele origin: germline.

Labcorp Genetics (formerly Invitae), Labcorp
Classification: Uncertain significance. Last evaluated: 2023-12-06. Review status: criteria provided, single submitter. Criteria: Invitae Variant Classification Sherloc (09022015). Collection method: clinical testing. Allele origin: germline.
Comment: This sequence change replaces arginine, which is basic and polar, with cysteine, which is neutral and slightly polar, at codon 1082 of the CNGB1 protein (p.Arg1082Cys). This variant is present in population databases (rs199780945, gnomAD 0.04%). This variant has not been reported in the literature in individuals affected with CNGB1-related conditions. ClinVar contains an entry for this variant (Variation ID: 320065). An algorithm developed to predict the effect of missense changes on protein structure and function (PolyPhen-2) suggests that this variant¬†is likely to be tolerated. In summary, the available evidence is currently insufficient to determine the role of this variant in disease. Therefore, it has been classified as a Variant of Uncertain Significance.

CeGaT Center for Human Genetics Tuebingen
Classification: Uncertain significance. Last evaluated: 2020-01-01. Review status: criteria provided, single submitter. Criteria: CeGaT Center For Human Genetics Tuebingen Variant Classification Criteria Version 2. Collection method: clinical testing. Allele origin: germline. Affected: yes. Observed: 1 variant allele.

Illumina Laboratory Services, Illumina
Classification: Uncertain significance for Retinitis pigmentosa. Last evaluated: 2018-01-13. Review status: criteria provided, single submitter. Criteria: ICSL Variant Classification Criteria 13 December 2019. Collection method: clinical testing. Allele origin: germline.

NM_001297.5(CNGB1):c.3244C>T (p.Arg1082Cys)

Gene: CNGB1 (cyclic nucleotide gated channel subunit beta 1; minus strand). Cytogenetic location: 16q21.
Variant type: single nucleotide variant.
Coding change: c.3244C>T on transcript NM_001297.5 (MANE Select); coding-DNA position 3244, C replaced by T.
Protein change: p.Arg1082Cys; replaces arginine 1082 with cysteine.
Molecular consequence: missense variant.
Genome position (GRCh38, 1-based): chr16:57,888,073, G>A on the plus strand (C>T on the coding strand, the complement: CNGB1 is on the minus strand). VCF-style: chr16-57888073-G-A. GRCh37 (hg19) VCF-style: chr16-57921977-G-A.
Other names: c.3226C>T, p.Arg1076Cys (NM_001286130.2); short protein forms R1082C, R1076C.
Identifiers: ClinVar variation 320065 (VCV000320065.51), dbSNP rs199780945, ClinGen allele CA8082613.